The following is an entry in ClinVar:

ClinVar aggregate classification (germline): Likely benign. Review status: criteria provided, multiple submitters, no conflicts (2 of 4 stars). 3 submissions from 3 submitters: Likely benign (2). 1 of the submissions does not count toward it. Last evaluated 2025-01-01.

Conditions:
PIP5K1C-related disorder. Also called: PIP5K1C-related condition.

Allele frequency attached by ClinVar (database versions not stated): 1000 Genomes Project 0.00100; 1000 Genomes Project 30x 0.00125.
gnomAD v4.1: 353 of 1,530,960 alleles (0.023%); highest among the groups gnomAD compares: African/African-American, 0.44%; no homozygotes.

Submissions (3):

CeGaT Center for Human Genetics Tuebingen
Classification: Likely benign. Last evaluated: 2025-01-01. Review status: criteria provided, single submitter. Criteria: CeGaT Center For Human Genetics Tuebingen Variant Classification Criteria Version 2. Collection method: clinical testing. Allele origin: germline. Affected: yes. Observed: 1 variant allele.
Comment: PIP5K1C: BP4, BP7

Blueprint Genetics
Classification: Likely benign. Last evaluated: 2021-09-08. Review status: criteria provided, single submitter. Criteria: ACMG Guidelines, 2015. Collection method: clinical testing. Allele origin: germline.

PreventionGenetics, part of Exact Sciences
Classification: Likely benign for PIP5K1C-related condition. Last evaluated: 2020-02-04. Review status: no assertion criteria provided. Collection method: clinical testing. Allele origin: germline. Not counted in ClinVar's aggregate classification.
Comment: This variant is classified as likely benign based on ACMG/AMP sequence variant interpretation guidelines (Richards et al. 2015 PMID: 25741868, with internal and published modifications).

NM_012398.3(PIP5K1C):c.1920+1330G>C

Gene: PIP5K1C (phosphatidylinositol-4-phosphate 5-kinase type 1 gamma; minus strand). Cytogenetic location: 19p13.3.
Variant type: single nucleotide variant.
Coding change: c.1920+1330G>C on transcript NM_012398.3 (MANE Select); 1330 bases into the intron after coding-DNA position 1920, G replaced by C.
Molecular consequence: intron variant. On other transcripts: synonymous variant (1).
Genome position (GRCh38, 1-based): chr19:3,637,554, C>G on the plus strand (G>C on the coding strand, the complement: PIP5K1C is on the minus strand). VCF-style: chr19-3637554-C-G. GRCh37 (hg19) VCF-style: chr19-3637552-C-G.
Other names: c.1980G>C, p.Thr660= (NM_001300849.2); c.1920+1330G>C (NM_001195733.2).
Identifiers: ClinVar variation 3051894 (VCV003051894.16), dbSNP rs561346539, ClinGen allele CA9081960.